The following is an entry in ClinVar:

ClinVar aggregate classification (germline): Uncertain significance (1 of 4 stars; one submission).

Conditions:
Anauxetic dysplasia. Identifiers: Orphanet 93347, MedGen C1846796, MONDO:0011773.

Allele frequency attached by ClinVar (database versions not stated): gnomAD 0.00001 and 0.00002; TOPMed 0.00002; 1000 Genomes Project 30x 0.00016.
gnomAD v4.1: 6 of 699,312 alleles (0.00086%); highest among the groups gnomAD compares: East Asian, 0.0027%; no homozygotes.

Submission:

Labcorp Genetics (formerly Invitae), Labcorp
Classification: Uncertain significance for Anauxetic dysplasia. Last evaluated: 2025-08-11. Review status: criteria provided, single submitter. Criteria: Invitae Variant Classification Sherloc (09022015). Collection method: clinical testing. Allele origin: germline.
Comment: This variant occurs in the RMRP gene, which encodes an RNA molecule that does not result in a protein product. This variant is present in population databases (no rsID available, gnomAD 0.01%). This variant has not been reported in the literature in individuals affected with RMRP-related conditions. ClinVar contains an entry for this variant (Variation ID: 1413556). Experimental studies and prediction algorithms are not available or were not evaluated, and the functional significance of this variant is currently unknown. In summary, the available evidence is currently insufficient to determine the role of this variant in disease. Therefore, it has been classified as a Variant of Uncertain Significance.

NC_000009.12:g.35657793C>G

Gene: RMRP (RNA component of mitochondrial RNA processing endoribonuclease; minus strand). Cytogenetic location: 9p13.3.
Variant type: single nucleotide variant.
Genome position: GRCh38 VCF-style: chr9-35657793-C-G. GRCh37 (hg19) VCF-style: chr9-35657790-C-G.
Identifiers: ClinVar variation 1413556 (VCV001413556.4), dbSNP rs1472791197, ClinGen allele CA464450419.